The following is an entry in ClinVar:

NM_001077621.2(VPS37D):c.279C>T (p.Ala93=)

Gene: VPS37D (VPS37D subunit of ESCRT-I; plus strand). Cytogenetic location: 7q11.23.
Variant type: single nucleotide variant.
Coding change: c.279C>T on transcript NM_001077621.2 (MANE Select); coding-DNA position 279, C replaced by T.
Protein change: p.Ala93=; no amino-acid change (alanine 93 retained).
Molecular consequence: synonymous variant.
Genome position (GRCh38, 1-based): chr7:73,669,559, C>T. VCF-style: chr7-73669559-C-T. GRCh37 (hg19) VCF-style: chr7-73083889-C-T.
Identifiers: ClinVar variation 2579019 (VCV002579019.25), dbSNP rs61743139, ClinGen allele CA4289713.

ClinVar aggregate classification (germline): Benign (1 of 4 stars; one submission).

Allele frequency attached by ClinVar (database versions not stated): 1000 Genomes Project 0.00140; 1000 Genomes Project 30x 0.00141; TOPMed 0.00686; gnomAD 0.00701; ESP Exome Variant Server 0.00740; ExAC 0.01442.
gnomAD v4.1: 16,238 of 1,592,400 alleles (1%); highest among the groups gnomAD compares: Non-Finnish European, 1.2%; 102 homozygotes.

Submission:

CeGaT Center for Human Genetics Tuebingen
Classification: Benign. Last evaluated: 2026-06-01. Review status: criteria provided, single submitter. Criteria: CeGaT Center For Human Genetics Tuebingen Variant Classification Criteria Version 2. Collection method: clinical testing. Allele origin: germline. Affected: yes. Observed: 13 variant alleles.
Comment: VPS37D: BP4, BP7, BS1, BS2